The following is an entry in ClinVar:

NM_022773.4(LMF1):c.1060C>T (p.Arg354Trp)

Gene: LMF1 (lipase maturation factor 1; minus strand). Cytogenetic location: 16p13.3.
Variant type: single nucleotide variant.
Coding change: c.1060C>T on transcript NM_022773.4 (MANE Select); coding-DNA position 1060, C replaced by T.
Protein change: p.Arg354Trp; replaces arginine 354 with tryptophan.
Molecular consequence: missense variant. On other transcripts: non-coding transcript variant (1).
Genome position (GRCh38, 1-based): chr16:871,179, G>A on the plus strand (C>T on the coding strand, the complement: LMF1 is on the minus strand). VCF-style: chr16-871179-G-A. GRCh37 (hg19) VCF-style: chr16-921179-G-A.
Other names: p.Arg354Trp; c.409C>T, p.Arg137Trp (NM_001352017.2, NM_001352021.2); c.661C>T, p.Arg221Trp (NM_001352018.2); c.733C>T, p.Arg245Trp (NM_001352019.2); c.1060C>T, p.Arg354Trp (NM_001352020.1); short protein forms R137W, R221W, R245W, R354W.
Identifiers: ClinVar variation 978328 (VCV000978328.40), dbSNP rs143076454, ClinGen allele CA7797230.

ClinVar aggregate classification (germline): Benign/Likely benign. Review status: criteria provided, multiple submitters, no conflicts (2 of 4 stars). 7 submissions from 7 submitters: Benign (6); Likely benign (1). Last evaluated 2026-10-01.

Conditions:
Cardiovascular phenotype. Identifiers: MedGen CN230736.

Allele frequency attached by ClinVar (database versions not stated): 1000 Genomes Project 0.00819; 1000 Genomes Project 30x 0.00828; ESP Exome Variant Server 0.00956; TOPMed 0.01299; gnomAD exomes 0.01342; gnomAD 0.01371 and 0.01380; ExAC 0.02167.
gnomAD v4.1: 26,491 of 1,603,258 alleles (1.7%); highest among the groups gnomAD compares: Middle Eastern, 3%; 268 homozygotes.

Submissions (7):

CeGaT Center for Human Genetics Tuebingen
Classification: Benign. Last evaluated: 2026-10-01. Review status: criteria provided, single submitter. Criteria: CeGaT Center For Human Genetics Tuebingen Variant Classification Criteria Version 2. Collection method: clinical testing. Allele origin: germline. Affected: yes. Observed: 10 variant alleles.
Comment: LMF1: BP4, BS1, BS2

Labcorp Genetics (formerly Invitae), Labcorp
Classification: Benign. Last evaluated: 2026-02-04. Review status: criteria provided, single submitter. Criteria: Invitae Variant Classification Sherloc (09022015). Collection method: clinical testing. Allele origin: germline.

Mayo Clinic Laboratories, Mayo Clinic
Classification: Likely benign. Last evaluated: 2025-08-07. Review status: criteria provided, single submitter. Criteria: ACMG Guidelines, 2015. Collection method: clinical testing. Allele origin: germline. Observed: 5 variant alleles.
Comment: BS1, BS2, BP4_strong

Molecular Diagnostic Laboratory for Inherited Cardiovascular Disease, Montreal Heart Institute
Classification: Benign. Last evaluated: 2025-04-08. Review status: criteria provided, single submitter. Criteria: ACMG Guidelines, 2015. Collection method: clinical testing. Allele origin: germline. Affected: no.

GeneDx
Classification: Benign. Last evaluated: 2019-12-02. Review status: criteria provided, single submitter. Criteria: GeneDx Variant Classification Process June 2021. Collection method: clinical testing. Allele origin: germline. Affected: yes.
Comment: This variant is associated with the following publications: (PMID: 30037590, 33111339)

Ambry Genetics
Classification: Benign for Cardiovascular phenotype. Last evaluated: 2019-03-22. Review status: criteria provided, single submitter. Criteria: Ambry Variant Classification Scheme 2023. Collection method: clinical testing. Allele origin: germline.

Breakthrough Genomics
Classification: Benign. Review status: criteria provided, single submitter. Criteria: ACMG Guidelines, 2015. Collection method: not provided. Allele origin: germline. Inheritance: Autosomal recessive inheritance. Affected: yes.

Literature cited by the submitters: PubMed 22239554 (cited by Mayo Clinic Laboratories, Mayo Clinic); PubMed 27108409 (cited by Mayo Clinic Laboratories, Mayo Clinic); PubMed 28391895 (cited by Mayo Clinic Laboratories, Mayo Clinic); PubMed 30037590 (cited by Mayo Clinic Laboratories, Mayo Clinic); PubMed 30150141 (cited by Mayo Clinic Laboratories, Mayo Clinic); PubMed 33111339 (cited by Mayo Clinic Laboratories, Mayo Clinic); PubMed 33588820 (cited by Mayo Clinic Laboratories, Mayo Clinic).